The following is an entry in ClinVar:

NM_004656.4(BAP1):c.988A>C (p.Asn330His)

Gene: BAP1 (BRCA1 associated deubiquitinase 1; minus strand). Cytogenetic location: 3p21.1.
Variant type: single nucleotide variant.
Coding change: c.988A>C on transcript NM_004656.4 (MANE Select); coding-DNA position 988, A replaced by C.
Protein change: p.Asn330His; replaces asparagine 330 with histidine.
Molecular consequence: missense variant.
Genome position (GRCh38, 1-based): chr3:52,405,238, T>G on the plus strand (A>C on the coding strand, the complement: BAP1 is on the minus strand). VCF-style: chr3-52405238-T-G. GRCh37 (hg19) VCF-style: chr3-52439254-T-G.
Other names: c.934A>C, p.Asn312His (NM_001410772.1); short protein forms N330H, N312H.
Identifiers: ClinVar variation 5032763 (VCV005032763.1).

ClinVar aggregate classification (germline): Uncertain significance (1 of 4 stars; one submission).

Conditions:
Hereditary cancer-predisposing syndrome. Also called: Neoplastic Syndromes, Hereditary; Tumor predisposition; Hereditary neoplastic syndrome; Hereditary Cancer Syndrome. Identifiers: Orphanet 140162, MedGen C0027672, MeSH D009386, MONDO:0015356.

Submission:

Ambry Genetics
Classification: Uncertain significance for Hereditary cancer-predisposing syndrome. Last evaluated: 2026-09-01. Review status: criteria provided, single submitter. Criteria: Ambry Variant Classification Scheme 2023. Collection method: clinical testing. Allele origin: germline.
Comment: The p.N330H variant (also known as c.988A>C), located in coding exon 11 of the BAP1 gene, results from an A to C substitution at nucleotide position 988. The asparagine at codon 330 is replaced by histidine, an amino acid with similar properties. This amino acid position is conserved. In addition, this alteration is predicted to be tolerated by in silico analysis. Based on the available evidence, the clinical significance of this variant remains unclear.